The following is an entry in ClinVar:

NM_001042475.3(CEP85L):c.2012C>T (p.Ala671Val)

Gene: CEP85L (centrosomal protein 85L; minus strand). Cytogenetic location: 6q22.31.
Variant type: single nucleotide variant.
Coding change: c.2012C>T on transcript NM_001042475.3 (MANE Select); coding-DNA position 2012, C replaced by T.
Protein change: p.Ala671Val; replaces alanine 671 with valine.
Molecular consequence: missense variant.
Genome position (GRCh38, 1-based): chr6:118,470,547, G>A on the plus strand (C>T on the coding strand, the complement: CEP85L is on the minus strand). VCF-style: chr6-118470547-G-A. GRCh37 (hg19) VCF-style: chr6-118791710-G-A.
Other names: c.2021C>T, p.Ala674Val (NM_001178035.2); short protein forms A671V, A674V.
Identifiers: ClinVar variation 4992029 (VCV004992029.1).

ClinVar aggregate classification (germline): Uncertain significance (1 of 4 stars; one submission).

Conditions:
CEP85L-related disorder. Also called: CEP85L-related condition.

gnomAD v4.1: 4 of 1,583,068 alleles (0.00025%); highest among the groups gnomAD compares: Non-Finnish European, 0.00034%; no homozygotes.

Submission:

PreventionGenetics, part of Exact Sciences
Classification: Uncertain significance for CEP85L-related condition. Last evaluated: 2025-11-10. Review status: criteria provided, single submitter. Criteria: ACMG Guidelines, 2015. Collection method: clinical testing. Allele origin: germline.
Comment: The CEP85L c.2021C>T variant is predicted to result in the amino acid substitution p.Ala674Val. To our knowledge, this variant has not been reported in the literature or in a large population database (gnomAD), indicating this variant is rare. At this time, the clinical significance of this variant is uncertain due to the absence of conclusive functional and genetic evidence.